The following is an entry in ClinVar:

ClinVar aggregate classification (germline): Benign/Likely benign. Review status: criteria provided, multiple submitters, no conflicts (2 of 4 stars). 7 submissions from 7 submitters: Benign (4); Likely benign (1). 2 of the submissions do not count toward it. Last evaluated 2026-02-04.

Allele frequency attached by ClinVar (database versions not stated): gnomAD exomes 0.20798 and 0.21722; ExAC 0.22866; TOPMed 0.23195; gnomAD 0.23693 and 0.23840; ESP Exome Variant Server 0.24373; 1000 Genomes Project 30x 0.25219; 1000 Genomes Project 0.25399.
gnomAD v4.1: 340,656 of 1,612,898 alleles (21%); highest among the groups gnomAD compares: South Asian, 34%; 38,903 homozygotes.

Submissions (7):

Labcorp Genetics (formerly Invitae), Labcorp
Classification: Benign. Last evaluated: 2026-02-04. Review status: criteria provided, single submitter. Criteria: Invitae Variant Classification Sherloc (09022015). Collection method: clinical testing. Allele origin: germline.

Blueprint Genetics
Classification: Benign. Last evaluated: 2024-11-26. Review status: criteria provided, single submitter. Criteria: ACMG Guidelines, 2015. Collection method: clinical testing. Allele origin: germline.

GeneDx
Classification: Benign. Last evaluated: 2018-08-09. Review status: criteria provided, single submitter. Criteria: GeneDx Variant Classification Process June 2021. Collection method: clinical testing. Allele origin: germline. Affected: yes.
Comment: This variant is associated with the following publications: (PMID: 9175732, 11380591, 12646666)

Athena Diagnostics
Classification: Benign. Last evaluated: 2017-12-07. Review status: criteria provided, single submitter. Criteria: Athena Diagnostics Criteria. Collection method: clinical testing. Allele origin: germline.

Breakthrough Genomics
Classification: Likely benign. Review status: criteria provided, single submitter. Criteria: ACMG Guidelines, 2015. Collection method: not provided. Allele origin: germline. Inheritance: Autosomal recessive inheritance. Affected: yes.

Clinical Genetics, Academic Medical Center
Classification: Benign. Review status: no assertion criteria provided. Collection method: clinical testing. Allele origin: germline. Affected: yes. Study: VKGL Data-share Consensus. Not counted in ClinVar's aggregate classification.

Genome Diagnostics Laboratory, University Medical Center Utrecht
Classification: Benign. Review status: no assertion criteria provided. Collection method: clinical testing. Allele origin: germline. Affected: yes. Study: VKGL Data-share Consensus. Not counted in ClinVar's aggregate classification.

NM_002303.6(LEPR):c.1029T>C (p.Ser343=)

Gene: LEPR (leptin receptor; plus strand). Cytogenetic location: 1p31.3.
Variant type: single nucleotide variant.
Coding change: c.1029T>C on transcript NM_002303.6 (MANE Select); coding-DNA position 1029, T replaced by C.
Protein change: p.Ser343=; no amino-acid change (serine 343 retained).
Molecular consequence: synonymous variant.
Genome position (GRCh38, 1-based): chr1:65,601,426, T>C. VCF-style: chr1-65601426-T-C. GRCh37 (hg19) VCF-style: chr1-66067109-T-C.
Other names: c.1029T>C, p.Ser343= (NM_001003679.3, NM_001003680.3, NM_001198687.2 and 2 more transcripts).
Identifiers: ClinVar variation 297991 (VCV000297991.17), dbSNP rs1805134, ClinGen allele CA894714.